The following is an entry in ClinVar:

NM_000069.3(CACNA1S):c.1341G>A (p.Leu447=)

Gene: CACNA1S (calcium voltage-gated channel subunit alpha1 S; minus strand). Cytogenetic location: 1q32.1.
Variant type: single nucleotide variant.
Coding change: c.1341G>A on transcript NM_000069.3 (MANE Select); coding-DNA position 1341, G replaced by A.
Protein change: p.Leu447=; no amino-acid change (leucine 447 retained).
Molecular consequence: synonymous variant.
Genome position (GRCh38, 1-based): chr1:201,083,214, C>T on the plus strand (G>A on the coding strand, the complement: CACNA1S is on the minus strand). VCF-style: chr1-201083214-C-T. GRCh37 (hg19) VCF-style: chr1-201052342-C-T.
Identifiers: ClinVar variation 3073159 (VCV003073159.1), dbSNP rs752263140, ClinGen allele CA078152.

ClinVar aggregate classification (germline): Likely benign (1 of 4 stars; one submission).

Conditions:
Malignant hyperthermia, susceptibility to, 5 (MHS5). Also called: CACNA1S-Related Malignant Hyperthermia Susceptibility. Identifiers: Orphanet 423, MedGen C1866077, MONDO:0011163, OMIM 601887.

Allele frequency attached by ClinVar (database versions not stated): ExAC 0.00001.

Submission:

All of Us Research Program, National Institutes of Health
Classification: Likely benign for Malignant hyperthermia, susceptibility to, 5. Last evaluated: 2023-12-13. Review status: criteria provided, single submitter. Criteria: ACMG Guidelines, 2015. Collection method: clinical testing. Allele origin: germline. Inheritance: Autosomal dominant inheritance. Observed: 2 variant alleles, 2 heterozygotes.
Comment: This study involves interpretation of variants in research participants for the purpose of population health screening. Participant phenotype was not available at the time of variant classification. Additional details can be found in publication PMID: 35346344, PMCID: PMC8962531